The following is an entry in ClinVar:

ClinVar aggregate classification (germline): Conflicting classifications of pathogenicity. Review status: criteria provided, conflicting classifications (1 of 4 stars). 5 submissions from 4 submitters: Uncertain significance (4); Likely benign (1). Last evaluated 2026-10-01.

Conditions:
Monosomy 7 myelodysplasia and leukemia syndrome 1. Also called: Familial Mosaic Monosomy 7 Syndrome; Monosomy 7 of bone marrow; CHROMOSOME 7q DELETION. Identifiers: MedGen C1854978, MONDO:0009646, OMIM 252270.
Ataxia-pancytopenia syndrome (ATXPC). Also called: SAMD9L-Related Syndrome; SAMD9L Ataxia-Pancytopenia Syndrome. Identifiers: Orphanet 2585, MedGen C1327919, MONDO:0008038, OMIM 159550.

Allele frequency attached by ClinVar (database versions not stated): 1000 Genomes Project 30x 0.00047; gnomAD exomes 0.00004; ExAC 0.00006; TOPMed 0.00016; ESP Exome Variant Server 0.00023; gnomAD 0.00023 and 0.00024; 1000 Genomes Project 0.00040.

Submissions (5):

St. Jude Molecular Pathology, St. Jude Children's Research Hospital
Classification: Uncertain significance for Ataxia-pancytopenia syndrome. Last evaluated: 2026-10-01. Review status: criteria provided, single submitter. Criteria: St. Jude Assertion Criteria 2020. Collection method: clinical testing. Allele origin: germline.
Comment: The SAMD9L c.4259G>A p.(Ser1420Asn) missense change has a maximum subpopulation frequency of 0.068% in gnomAD v2.1.1. The in silico tool REVEL predi cts a benign effect on protein function, but to our knowledge this prediction has not been confirmed by functional studies. In silico predictions have not been found to correlate with syndromic risk and are not considered supporting evidence of a pathoge nic or benign effect (PMID: 34621053). To our knowledge, this variant has not been reported in the literature in individuals with ataxia-pancytopenia syndrome. In summary, the evidence currently available is insufficient to determine the clinical significance of this variant. It has therefore been classified as of uncertain significance.

Labcorp Genetics (formerly Invitae), Labcorp
Classification: Uncertain significance. Last evaluated: 2025-06-17. Review status: criteria provided, single submitter. Criteria: Invitae Variant Classification Sherloc (09022015). Collection method: clinical testing. Allele origin: germline.
Comment: This sequence change replaces serine, which is neutral and polar, with asparagine, which is neutral and polar, at codon 1420 of the SAMD9L protein (p.Ser1420Asn). This variant is present in population databases (rs116662173, gnomAD 0.07%), and has an allele count higher than expected for a pathogenic variant. This variant has not been reported in the literature in individuals affected with SAMD9L-related conditions. ClinVar contains an entry for this variant (Variation ID: 1437441). Invitae Evidence Modeling of protein sequence and biophysical properties (such as structural, functional, and spatial information, amino acid conservation, physicochemical variation, residue mobility, and thermodynamic stability) indicates that this missense variant is not expected to disrupt SAMD9L protein function with a negative predictive value of 80%. In summary, the available evidence is currently insufficient to determine the role of this variant in disease. Therefore, it has been classified as a Variant of Uncertain Significance.

GeneDx
Classification: Uncertain significance. Last evaluated: 2024-04-16. Review status: criteria provided, single submitter. Criteria: GeneDx Variant Classification Process June 2021. Collection method: clinical testing. Allele origin: germline. Affected: yes.
Comment: In silico analysis indicates that this missense variant does not alter protein structure/function; Has not been previously published as pathogenic or benign to our knowledge

St. Jude Molecular Pathology, St. Jude Children's Research Hospital
Classification: Uncertain significance for Monosomy 7 myelodysplasia and leukemia syndrome 1. Last evaluated: 2023-03-31. Review status: criteria provided, single submitter. Criteria: St. Jude Assertion Criteria 2020. Collection method: clinical testing. Allele origin: germline.
Comment: The SAMD9L c.4259G>A (p.Ser1420Asn) missense change has a maximum subpopulation frequency of 0.068% in gnomAD v2.1.1. The in silico tool REVEL predicts a benign effect on protein function, but to our knowledge this prediction has not been confirmed by functional studies. In silico predictions have not been found to correlate with syndromic risk and are not considered supporting evidence of a pathogenic or benign effect (PMID: 34621053). To our knowledge, this variant has not been reported in individuals with ataxia-pancytopenia syndrome. In summary, the evidence currently available is insufficient to determine the clinical significance of this variant. It has therefore been classified as of uncertain significance.

Blueprint Genetics
Classification: Likely benign. Last evaluated: 2020-07-13. Review status: criteria provided, single submitter. Criteria: ACMG Guidelines, 2015. Collection method: clinical testing. Allele origin: germline.

NM_152703.5(SAMD9L):c.4259G>A (p.Ser1420Asn)

Gene: SAMD9L (sterile alpha motif domain containing 9 like; minus strand). Cytogenetic location: 7q21.2.
Variant type: single nucleotide variant.
Coding change: c.4259G>A on transcript NM_152703.5 (MANE Select); coding-DNA position 4259, G replaced by A.
Protein change: p.Ser1420Asn; replaces serine 1420 with asparagine.
Molecular consequence: missense variant.
Genome position (GRCh38, 1-based): chr7:93,131,713, C>T on the plus strand (G>A on the coding strand, the complement: SAMD9L is on the minus strand). VCF-style: chr7-93131713-C-T. GRCh37 (hg19) VCF-style: chr7-92761026-C-T.
Other names: c.4259G>A, p.Ser1420Asn (NM_001350082.2, NM_001350083.2, NM_001350084.2 and 5 more transcripts); c.4259G>A (NM_152703.3); short protein forms S1420N.
Identifiers: ClinVar variation 1437441 (VCV001437441.9), dbSNP rs116662173, ClinGen allele CA4343333.